The following is an entry in ClinVar:

ClinVar aggregate classification (germline): Uncertain significance (1 of 4 stars; one submission).

Conditions:
Dilated cardiomyopathy 1AA (CMD1AA). Also called: CARDIOMYOPATHY, DILATED, 1AA, WITH OR WITHOUT LEFT VENTRICULAR NONCOMPACTION; CARDIOMYOPATHY, FAMILIAL HYPERTROPHIC, 23, WITH OR WITHOUT LEFT VENTRICULAR NONCOMPACTION; Cardiomyopathy, dilated, 1AA, with or without LVNC. Identifiers: Orphanet 154, MedGen C2677338, MONDO:0012808, OMIM 612158.
Primary familial hypertrophic cardiomyopathy (HCM). Identifiers: Orphanet 99739, MedGen C0949658, MeSH D024741, MONDO:0024573. Inheritance: Various modes of inheritance.

gnomAD v4.1: 7 of 1,614,164 alleles (0.00043%); highest among the groups gnomAD compares: Non-Finnish European, 0.00059%; no homozygotes.

Submission:

Labcorp Genetics (formerly Invitae), Labcorp
Classification: Uncertain significance for Primary familial hypertrophic cardiomyopathy; Dilated cardiomyopathy 1AA. Last evaluated: 2025-06-15. Review status: criteria provided, single submitter. Criteria: Invitae Variant Classification Sherloc (09022015). Collection method: clinical testing. Allele origin: germline.
Comment: This sequence change replaces histidine, which is basic and polar, with glutamine, which is neutral and polar, at codon 444 of the ACTN2 protein (p.His444Gln). This variant is present in population databases (rs373709019, gnomAD 0.0009%). This variant has not been reported in the literature in individuals affected with ACTN2-related conditions. Invitae Evidence Modeling of protein sequence and biophysical properties (such as structural, functional, and spatial information, amino acid conservation, physicochemical variation, residue mobility, and thermodynamic stability) indicates that this missense variant is not expected to disrupt ACTN2 protein function with a negative predictive value of 80%. In summary, the available evidence is currently insufficient to determine the role of this variant in disease. Therefore, it has been classified as a Variant of Uncertain Significance.

NM_001103.4(ACTN2):c.1332C>G (p.His444Gln)

Gene: ACTN2 (actinin alpha 2; plus strand). Cytogenetic location: 1q43.
Variant type: single nucleotide variant.
Coding change: c.1332C>G on transcript NM_001103.4 (MANE Select); coding-DNA position 1332, C replaced by G.
Protein change: p.His444Gln; replaces histidine 444 with glutamine.
Molecular consequence: missense variant. On other transcripts: non-coding transcript variant (1).
Genome position (GRCh38, 1-based): chr1:236,744,702, C>G. VCF-style: chr1-236744702-C-G. GRCh37 (hg19) VCF-style: chr1-236908002-C-G.
Other names: c.1332C>G, p.His444Gln (NM_001278343.2); short protein forms H444Q.
Identifiers: ClinVar variation 4788502 (VCV004788502.1).
Genomic context (GRCh38, chr1:236,744,702, plus strand): 5'-GCTGCAGAAGGATTACGAGTCGGCGTCGCTGACAGAGGTGCGGGCTCTGCTGCGGAAGCA[C>G]GAGGCGTTCGAGAGCGACCTGGCAGCGCACCAGGACCGCGTGGAGCAGATCGCAGCCATC-3'
Protein context (NP_001094.1, residues 434-454): LTEVRALLRK[His444Gln]EAFESDLAAH